The following is an entry in ClinVar:

NM_004356.4(CD81):c.508del (p.Leu170fs)

Gene: CD81 (CD81 molecule; plus strand). Cytogenetic location: 11p15.5.
Variant type: Deletion.
Coding change: c.508del on transcript NM_004356.4 (MANE Select); coding-DNA position 508, one base deleted (C; older notation c.508delC).
Protein change: p.Leu170fs; shifts the reading frame from leucine 170.
Molecular consequence: frameshift variant.
Genome position (GRCh38, 1-based): chr11:2,395,917, C deleted. VCF-style (leftmost placement, unchanged base first): chr11-2395916-GC-G. GRCh37 (hg19) VCF-style: chr11-2417146-GC-G.
Other names: c.295del, p.Leu99fs (NM_001297649.2); c.295delC, p.Leu99Serfs (NM_001425129.1, NM_001425130.1, NM_001425131.1 and 3 more transcripts); c.631delC, p.Leu211Serfs (NM_001425135.1); c.508delC, p.Leu170Serfs (NM_001425137.1); short protein forms L170fs, L99fs.
Identifiers: ClinVar variation 2810319 (VCV002810319.3), dbSNP rs2496540562, ClinGen allele CA2739276100.

ClinVar aggregate classification (germline): Uncertain significance (1 of 4 stars; one submission).

Submission:

Labcorp Genetics (formerly Invitae), Labcorp
Classification: Uncertain significance. Last evaluated: 2024-08-12. Review status: criteria provided, single submitter. Criteria: Invitae Variant Classification Sherloc (09022015). Collection method: clinical testing. Allele origin: germline.
Comment: This sequence change creates a premature translational stop signal (p.Leu170Serfs*45) in the CD81 gene. While this is not anticipated to result in nonsense mediated decay, it is expected to disrupt the last 67 amino acid(s) of the CD81 protein. This variant is not present in population databases (gnomAD no frequency). This variant has not been reported in the literature in individuals affected with CD81-related conditions. Experimental studies and prediction algorithms are not available or were not evaluated, and the functional significance of this variant is currently unknown. In summary, the available evidence is currently insufficient to determine the role of this variant in disease. Therefore, it has been classified as a Variant of Uncertain Significance.